The following is an entry in ClinVar:

NM_001367624.2(ZNF469):c.6368T>C (p.Met2123Thr)

Gene: ZNF469 (zinc finger protein 469; plus strand). Cytogenetic location: 16q24.2.
Variant type: single nucleotide variant.
Coding change: c.6368T>C on transcript NM_001367624.2 (MANE Select); coding-DNA position 6368, T replaced by C.
Protein change: p.Met2123Thr; replaces methionine 2123 with threonine.
Molecular consequence: missense variant.
Genome position (GRCh38, 1-based): chr16:88,433,838, T>C. VCF-style: chr16-88433838-T-C. GRCh37 (hg19) VCF-style: chr16-88500246-T-C.
Other names: NM_001127464.1:c.6284T>C; short protein forms M2123T.
Identifiers: ClinVar variation 3573737 (VCV003573737.2).

ClinVar aggregate classification (germline): Uncertain significance. Review status: criteria provided, multiple submitters, no conflicts (2 of 4 stars). 2 submissions from 2 submitters: Uncertain significance (2). Last evaluated 2025-05-14.

Conditions:
Cardiovascular phenotype. Identifiers: MedGen CN230736.

gnomAD v4.1: 45 of 1,549,668 alleles (0.0029%); highest among the groups gnomAD compares: South Asian, 0.0048%; no homozygotes.

Submissions (2):

Ambry Genetics
Classification: Uncertain significance for Cardiovascular phenotype. Last evaluated: 2025-05-14. Review status: criteria provided, single submitter. Criteria: Ambry Variant Classification Scheme 2023. Collection method: clinical testing. Allele origin: germline.
Comment: The p.M2095T variant (also known as c.6284T>C), located in coding exon 2 of the ZNF469 gene, results from a T to C substitution at nucleotide position 6284. The methionine at codon 2095 is replaced by threonine, an amino acid with similar properties. This amino acid position is conserved. In addition, this alteration is predicted to be tolerated by in silico analysis. Based on the available evidence, the clinical significance of this variant remains unclear.

GeneDx
Classification: Uncertain significance. Last evaluated: 2024-07-15. Review status: criteria provided, single submitter. Criteria: GeneDx Variant Classification Process June 2021. Collection method: clinical testing. Allele origin: germline. Affected: yes.
Comment: Not observed at significant frequency in large population cohorts (gnomAD); In silico analysis indicates that this missense variant does not alter protein structure/function; Has not been previously published as pathogenic or benign to our knowledge